The following is an entry in ClinVar:

NM_000264.5(PTCH1):c.2560+11G>A

Genes: PTCH1 (patched 1; minus strand), LOC100507346 (uncharacterized LOC100507346; plus strand). Cytogenetic location: 9q22.32.
Variant type: single nucleotide variant.
Coding change: c.2560+11G>A on transcript NM_000264.5 (MANE Select); 11 bases into the intron after coding-DNA position 2560, G replaced by A.
Molecular consequence: intron variant. On other transcripts: non-coding transcript variant (1).
Genome position (GRCh38, 1-based): chr9:95,467,105, C>T on the plus strand (G>A on the coding strand, the complement: PTCH1 is on the minus strand). VCF-style: chr9-95467105-C-T. GRCh37 (hg19) VCF-style: chr9-98229387-C-T.
Other names: c.2557+11G>A (NM_001083603.3); c.2362+11G>A (NM_001083602.3); c.2404+11G>A (NM_001354918.2); c.2107+11G>A (NM_001083605.3, NM_001083604.3, NM_001083606.3 and 1 more transcripts).
Identifiers: ClinVar variation 367666 (VCV000367666.13), dbSNP rs774494594, ClinGen allele CA5138390.

ClinVar aggregate classification (germline): Likely benign. Review status: criteria provided, multiple submitters, no conflicts (2 of 4 stars). 4 submissions from 3 submitters: Likely benign (4). Last evaluated 2026-01-19.

Conditions:
Gorlin syndrome. Also called: Basal cell nevus syndrome; Nevoid Basal Cell Carcinoma Syndrome. Identifiers: Orphanet 377, MedGen C0004779, MONDO:0007187.
Holoprosencephaly 7 (HPE7). Identifiers: Orphanet 2162, MedGen C1835820, MONDO:0012562, OMIM 610828.

Allele frequency attached by ClinVar (database versions not stated): TOPMed 0.00005; gnomAD 0.00006; ExAC 0.00010; gnomAD exomes 0.00010 and 0.00027.
gnomAD v4.1: 394 of 1,613,856 alleles (0.024%); highest among the groups gnomAD compares: Middle Eastern, 0.049%; no homozygotes.

Submissions (4):

Labcorp Genetics (formerly Invitae), Labcorp
Classification: Likely benign for Gorlin syndrome. Last evaluated: 2026-01-19. Review status: criteria provided, single submitter. Criteria: Invitae Variant Classification Sherloc (09022015). Collection method: clinical testing. Allele origin: germline.

Blueprint Genetics
Classification: Likely benign. Last evaluated: 2024-07-22. Review status: criteria provided, single submitter. Criteria: ACMG Guidelines, 2015. Collection method: clinical testing. Allele origin: germline.

Illumina Laboratory Services, Illumina
Classification: Likely benign for Holoprosencephaly 7. Last evaluated: 2018-01-13. Review status: criteria provided, single submitter. Criteria: ICSL Variant Classification Criteria 13 December 2019. Collection method: clinical testing. Allele origin: germline.
Comment: This variant was observed in the ICSL laboratory as part of a predisposition screen in an ostensibly healthy population. It had not been previously curated by ICSL or reported in the Human Gene Mutation Database (HGMD: prior to June 1st, 2018), and was therefore a candidate for classification through an automated scoring system. Utilizing variant allele frequency, disease prevalence and penetrance estimates, and inheritance mode, an automated score was calculated to assess if this variant is too frequent to cause the disease. Based on the score and internal cut-off values, a variant classified as likely benign is not then subjected to further curation. The score for this variant resulted in a classification of likely benign for this disease.

Illumina Laboratory Services, Illumina
Classification: Likely benign for Basal cell nevus syndrome 1. Last evaluated: 2018-01-13. Review status: criteria provided, single submitter. Criteria: ICSL Variant Classification Criteria 13 December 2019. Collection method: clinical testing. Allele origin: germline.
Comment: the same text as in the submission from Illumina Laboratory Services, Illumina above.